The following is an entry in ClinVar:

ClinVar aggregate classification (germline): Uncertain significance. Review status: criteria provided, multiple submitters, no conflicts (2 of 4 stars). 2 submissions from 2 submitters: Uncertain significance (2). Last evaluated 2026-08-06.

Conditions:
Severe combined immunodeficiency due to DNA-PKcs deficiency. Also called: IMMUNODEFICIENCY 26 WITH NEUROLOGIC ABNORMALITIES; Immunodeficiency 26 with or without neurologic abnormalities. Identifiers: Orphanet 317425, MedGen C4014833, MONDO:0014423, OMIM 615966.

Allele frequency attached by ClinVar (database versions not stated): TOPMed below 0.00001; gnomAD exomes 0.00001.
gnomAD v4.1: 16 of 1,585,298 alleles (0.001%); highest among the groups gnomAD compares: Non-Finnish European, 0.0014%; no homozygotes.

Submissions (2):

OLLIN Analises Genomicas, OLLIN
Classification: Uncertain significance for Severe combined immunodeficiency due to DNA-PKcs deficiency. Last evaluated: 2026-08-06. Review status: criteria provided, single submitter. Criteria: ACMG Guidelines 2015 PMID 25741868. Collection method: clinical testing. Allele origin: germline.
Comment: This missense variant, located in exon 81 (of 86), has been reported in ClinVar (accession VCV003225718.1) and in gnomAD with an allele frequency of 0.001009%. However, to our knowledge, it has not been reported in the scientific literature. In silico analysis predicts that this variant has a tolerated effect. According to the currently available evidence, this variant has been classified as uncertain significance (PM2_P, BP4_M).

Ambry Genetics
Classification: Uncertain significance. Last evaluated: 2023-11-01. Review status: criteria provided, single submitter. Criteria: Ambry Variant Classification Scheme 2023. Collection method: clinical testing. Allele origin: germline.
Comment: The p.P3832S variant (also known as c.11494C>T), located in coding exon 81 of the PRKDC gene, results from a C to T substitution at nucleotide position 11494. The proline at codon 3832 is replaced by serine, an amino acid with similar properties. This amino acid position is conserved. In addition, this alteration is predicted to be tolerated by in silico analysis. Since supporting evidence is limited at this time, the clinical significance of this alteration remains unclear.

NM_006904.7(PRKDC):c.11494C>T (p.Pro3832Ser)

Gene: PRKDC (protein kinase, DNA-activated, catalytic subunit; minus strand). Cytogenetic location: 8q11.21.
Variant type: single nucleotide variant.
Coding change: c.11494C>T on transcript NM_006904.7 (MANE Select); coding-DNA position 11494, C replaced by T.
Protein change: p.Pro3832Ser; replaces proline 3832 with serine.
Molecular consequence: missense variant.
Genome position (GRCh38, 1-based): chr8:47,779,089, G>A on the plus strand (C>T on the coding strand, the complement: PRKDC is on the minus strand). VCF-style: chr8-47779089-G-A. GRCh37 (hg19) VCF-style: chr8-48691650-G-A.
Other names: c.11401C>T, p.Pro3801Ser (NM_001081640.2); short protein forms P3801S, P3832S.
Identifiers: ClinVar variation 3225718 (VCV003225718.2), dbSNP rs890013508, ClinGen allele CA176134040.